The following is an entry in ClinVar:

ClinVar aggregate classification (germline): Likely pathogenic (1 of 4 stars; one submission).

Conditions:
Mucopolysaccharidosis, MPS-IV-A (MPS4A). Also called: Morquio syndrome A, mild; MORQUIO SYNDROME A; GALACTOSAMINE-6-SULFATASE DEFICIENCY; GALNS DEFICIENCY; MORQUIO A DISEASE; mucopolysaccharidosis type 4A. Identifiers: Orphanet 309297, Orphanet 582, MedGen C0086651, MONDO:0009659, OMIM 253000.

gnomAD v4.1: 11 of 1,612,774 alleles (0.00068%); highest among the groups gnomAD compares: Non-Finnish European, 0.00093%; no homozygotes.

Submission:

Labcorp Genetics (formerly Invitae), Labcorp
Classification: Likely pathogenic for Mucopolysaccharidosis, MPS-IV-A. Last evaluated: 2024-01-18. Review status: criteria provided, single submitter. Criteria: Invitae Variant Classification Sherloc (09022015). Collection method: clinical testing. Allele origin: germline.
Comment: This sequence change replaces isoleucine, which is neutral and non-polar, with valine, which is neutral and non-polar, at codon 113 of the GALNS protein (p.Ile113Val). This variant is not present in population databases (gnomAD no frequency). This variant has not been reported in the literature in individuals affected with GALNS-related conditions. Advanced modeling of protein sequence and biophysical properties (such as structural, functional, and spatial information, amino acid conservation, physicochemical variation, residue mobility, and thermodynamic stability) performed at Invitae indicates that this missense variant is expected to disrupt GALNS protein function with a positive predictive value of 95%. This variant disrupts the p.Ile113 amino acid residue in GALNS. Other variant(s) that disrupt this residue have been determined to be pathogenic (PMID: 7668283, 25137622; Invitae). This suggests that this residue is clinically significant, and that variants that disrupt this residue are likely to be disease-causing. In summary, the currently available evidence indicates that the variant is pathogenic, but additional data are needed to prove that conclusively. Therefore, this variant has been classified as Likely Pathogenic.

Literature cited by the submitters: PubMed 7668283; PubMed 25137622.

NM_000512.5(GALNS):c.337A>G (p.Ile113Val)

Gene: GALNS (galactosamine (N-acetyl)-6-sulfatase; minus strand). Cytogenetic location: 16q24.3.
Variant type: single nucleotide variant.
Coding change: c.337A>G on transcript NM_000512.5 (MANE Select); coding-DNA position 337, A replaced by G.
Protein change: p.Ile113Val; replaces isoleucine 113 with valine.
Molecular consequence: missense variant. On other transcripts: 5 prime UTR variant (1).
Genome position (GRCh38, 1-based): chr16:88,841,077, T>C on the plus strand (A>G on the coding strand, the complement: GALNS is on the minus strand). VCF-style: chr16-88841077-T-C. GRCh37 (hg19) VCF-style: chr16-88907485-T-C.
Other names: c.-219A>G (NM_001323543.2); c.355A>G, p.Ile119Val (NM_001323544.2); short protein forms I113V, I119V.
Identifiers: ClinVar variation 2724611 (VCV002724611.3), dbSNP rs118204438, ClinGen allele CA397088243.